The following is an entry in ClinVar:

ClinVar aggregate classification (germline): Uncertain significance (1 of 4 stars; one submission).

Allele frequency attached by ClinVar (database versions not stated): gnomAD exomes below 0.00001; gnomAD 0.00001; TOPMed 0.00002.
gnomAD v4.1: 9 of 1,614,070 alleles (0.00056%); highest among the groups gnomAD compares: African/African-American, 0.0027%; no homozygotes.

Submission:

Labcorp Genetics (formerly Invitae), Labcorp
Classification: Uncertain significance. Last evaluated: 2021-08-28. Review status: criteria provided, single submitter. Criteria: Invitae Variant Classification Sherloc (09022015). Collection method: clinical testing. Allele origin: germline.
Comment: This sequence change replaces proline with serine at codon 563 of the TPP1 protein (p.Pro563Ser). The proline residue is moderately conserved and there is a moderate physicochemical difference between proline and serine. This variant is not present in population databases (ExAC no frequency). This variant has not been reported in the literature in individuals affected with TPP1-related conditions. Algorithms developed to predict the effect of missense changes on protein structure and function are either unavailable or do not agree on the potential impact of this missense change (SIFT: "Deleterious"; PolyPhen-2: "Probably Damaging"; Align-GVGD: "Class C0"). In summary, the available evidence is currently insufficient to determine the role of this variant in disease. Therefore, it has been classified as a Variant of Uncertain Significance.

NM_000391.4(TPP1):c.1687C>T (p.Pro563Ser)

Gene: TPP1 (tripeptidyl peptidase 1; minus strand). Cytogenetic location: 11p15.4.
Variant type: single nucleotide variant.
Coding change: c.1687C>T on transcript NM_000391.4 (MANE Select); coding-DNA position 1687, C replaced by T.
Protein change: p.Pro563Ser; replaces proline 563 with serine.
Molecular consequence: missense variant.
Genome position (GRCh38, 1-based): chr11:6,614,551, G>A on the plus strand (C>T on the coding strand, the complement: TPP1 is on the minus strand). VCF-style: chr11-6614551-G-A. GRCh37 (hg19) VCF-style: chr11-6635782-G-A.
Other names: short protein forms P563S.
Identifiers: ClinVar variation 862135 (VCV000862135.6), dbSNP rs1207993020, ClinGen allele CA379471924.
Genomic context (GRCh38, chr11:6,614,551, plus strand): 5'-ACTGAACTGCCAGCTTCAGGGCAGGGGACAAGCCATCTCTCCTGATAGGAAAGGGTCAGG[G>A]GTTGAGTAGAGTCTTCAGCAAAGCTGGGAAGTTGGGTGTTCCCCAGCCTGTTACAGGATC-3'
Protein context (NP_000382.3, residues 553-563): FPALLKTLLN[Pro563Ser]